The following is an entry in ClinVar:

NM_004795.4(KL):c.1858C>T (p.Arg620Cys)

Gene: KL (klotho; plus strand). Cytogenetic location: 13q13.1.
Variant type: single nucleotide variant.
Coding change: c.1858C>T on transcript NM_004795.4 (MANE Select); coding-DNA position 1858, C replaced by T.
Protein change: p.Arg620Cys; replaces arginine 620 with cysteine.
Molecular consequence: missense variant.
Genome position (GRCh38, 1-based): chr13:33,060,937, C>T. VCF-style: chr13-33060937-C-T. GRCh37 (hg19) VCF-style: chr13-33635074-C-T.
Other names: short protein forms R620C.
Identifiers: ClinVar variation 883810 (VCV000883810.14), dbSNP rs34292549, ClinGen allele CA6944195.
Genomic context (GRCh38, chr13:33,060,937, plus strand): 5'-GCCCTGATTCTCCCTCTGGGTAACCAGTCCCAGGTGAACCACACCATCCTGCAGTACTAT[C>T]GCTGCATGGCCAGCGAGCTTGTCCGTGTCAACATCACCCCAGTGGTGGCCCTGTGGCAGC-3'
Protein context (NP_004786.2, residues 610-630): QVNHTILQYY[Arg620Cys]CMASELVRVN

ClinVar aggregate classification (germline): Uncertain significance. Review status: criteria provided, multiple submitters, no conflicts (2 of 4 stars). 4 submissions from 4 submitters: Uncertain significance (4). Last evaluated 2026-01-27.

Conditions:
Tumoral calcinosis, hyperphosphatemic, familial, 3. Identifiers: MedGen C4693864, MONDO:0060715, OMIM 617994.

Allele frequency attached by ClinVar (database versions not stated): ESP Exome Variant Server 0.00008; gnomAD 0.00011; TOPMed 0.00013; gnomAD exomes 0.00016 and 0.00021; ExAC 0.00023.
gnomAD v4.1: 252 of 1,612,308 alleles (0.016%); highest among the groups gnomAD compares: South Asian, 0.077%; 2 homozygotes.

Submissions (4):

Labcorp Genetics (formerly Invitae), Labcorp
Classification: Uncertain significance. Last evaluated: 2026-01-27. Review status: criteria provided, single submitter. Criteria: Invitae Variant Classification Sherloc (09022015). Collection method: clinical testing. Allele origin: germline.
Comment: This sequence change replaces arginine, which is basic and polar, with cysteine, which is neutral and slightly polar, at codon 620 of the KL protein (p.Arg620Cys). This variant is present in population databases (rs34292549, gnomAD 0.09%), and has an allele count higher than expected for a pathogenic variant. This variant has not been reported in the literature in individuals affected with KL-related conditions. ClinVar contains an entry for this variant (Variation ID: 883810). Invitae Evidence Modeling of protein sequence and biophysical properties (such as structural, functional, and spatial information, amino acid conservation, physicochemical variation, residue mobility, and thermodynamic stability) indicates that this missense variant is not expected to disrupt KL protein function with a negative predictive value of 80%. In summary, the available evidence is currently insufficient to determine the role of this variant in disease. Therefore, it has been classified as a Variant of Uncertain Significance.

Ambry Genetics
Classification: Uncertain significance. Last evaluated: 2025-04-06. Review status: criteria provided, single submitter. Criteria: Ambry Variant Classification Scheme 2023. Collection method: clinical testing. Allele origin: germline.

Fulgent Genetics
Classification: Uncertain significance for Tumoral calcinosis, hyperphosphatemic, familial, 3. Last evaluated: 2022-04-08. Review status: criteria provided, single submitter. Criteria: ACMG Guidelines, 2015. Collection method: clinical testing. Allele origin: unknown.

Illumina Laboratory Services, Illumina
Classification: Uncertain significance for Tumoral calcinosis, hyperphosphatemic, familial, 3. Last evaluated: 2017-04-27. Review status: criteria provided, single submitter. Criteria: ICSL Variant Classification Criteria 13 December 2019. Collection method: clinical testing. Allele origin: germline.